The following is an entry in ClinVar:

ClinVar aggregate classification (germline): Uncertain significance. Review status: criteria provided, multiple submitters, no conflicts (2 of 4 stars). 2 submissions from 2 submitters: Uncertain significance (2). Last evaluated 2025-08-05.

Conditions:
Inborn genetic diseases. Identifiers: MedGen C0950123, MeSH D030342.

gnomAD v4.1: 13 of 1,564,706 alleles (0.00083%); highest among the groups gnomAD compares: African/African-American, 0.015%; no homozygotes.

Submissions (2):

Ambry Genetics
Classification: Uncertain significance for Inborn genetic diseases. Last evaluated: 2025-08-05. Review status: criteria provided, single submitter. Criteria: Ambry Variant Classification Scheme 2023. Collection method: clinical testing. Allele origin: germline.

GeneDx
Classification: Uncertain significance. Last evaluated: 2023-05-18. Review status: criteria provided, single submitter. Criteria: GeneDx Variant Classification Process June 2021. Collection method: clinical testing. Allele origin: germline. Affected: yes.
Comment: In silico analysis supports that this missense variant does not alter protein structure/function; Has not been previously published as pathogenic or benign to our knowledge

NM_001080453.3(INTS1):c.10G>A (p.Ala4Thr)

Gene: INTS1 (integrator complex subunit 1; minus strand). Cytogenetic location: 7p22.3.
Variant type: single nucleotide variant.
Coding change: c.10G>A on transcript NM_001080453.3 (MANE Select); coding-DNA position 10, G replaced by A.
Protein change: p.Ala4Thr; replaces alanine 4 with threonine.
Molecular consequence: missense variant.
Genome position (GRCh38, 1-based): chr7:1,503,951, C>T on the plus strand (G>A on the coding strand, the complement: INTS1 is on the minus strand). VCF-style: chr7-1503951-C-T. GRCh37 (hg19) VCF-style: chr7-1543587-C-T.
Other names: short protein forms A4T.
Identifiers: ClinVar variation 3343575 (VCV003343575.2).